The following is an entry in ClinVar:

ClinVar aggregate classification (germline): Pathogenic. Review status: criteria provided, multiple submitters, no conflicts (2 of 4 stars). 2 submissions from 2 submitters: Pathogenic (2). Last evaluated 2025-06-30.

Conditions:
Retinoblastoma (RB1). Also called: RETINOBLASTOMA, SOMATIC. Identifiers: Orphanet 790, MedGen C0035335, MeSH D012175, MONDO:0008380, OMIM 180200, HP:0009919. Disease mechanism: loss of function. Inheritance: Both sporadic and heritable forms are tested..

Submissions (2):

Labcorp Genetics (formerly Invitae), Labcorp
Classification: Pathogenic for Retinoblastoma. Last evaluated: 2025-06-30. Review status: criteria provided, single submitter. Criteria: Invitae Variant Classification Sherloc (09022015). Collection method: clinical testing. Allele origin: germline.
Comment: This sequence change creates a premature translational stop signal (p.Asn133*) in the RB1 gene. It is expected to result in an absent or disrupted protein product. Loss-of-function variants in RB1 are known to be pathogenic (PMID: 17096365). This variant is not present in population databases (gnomAD no frequency). This premature translational stop signal has been observed in individual(s) with retinoblastoma (PMID: 16463005). This variant is also known as c.396_397insT p.F132fs. ClinVar contains an entry for this variant (Variation ID: 3237126). For these reasons, this variant has been classified as Pathogenic.

Genetic Diagnostic Laboratory, University of Pennsylvania School of Medicine
Classification: Pathogenic for Retinoblastoma. Last evaluated: 2024-05-20. Review status: criteria provided, single submitter. Criteria: ACMG Guidelines, 2015. Collection method: clinical testing. Allele origin: germline. Affected: yes. Observed: 1 variant allele.
Comment: Case and Pedigree Information: BILATERAL CASES:0, UNILATERAL CASES:1, TOTAL CASES:1, PEDIGREES:1. ACMG Codes Applied:PVS1, PM2

Literature cited by the submitters: PubMed 17096365 (cited by Labcorp Genetics (formerly Invitae), Labcorp); PubMed 16463005 (cited by Labcorp Genetics (formerly Invitae), Labcorp).

NM_000321.3(RB1):c.396dup (p.Asn133Ter)

Gene: RB1 (RB transcriptional corepressor 1; plus strand). Cytogenetic location: 13q14.2.
Variant type: Duplication.
Coding change: c.396dup on transcript NM_000321.3 (MANE Select); coding-DNA position 396, one base duplicated (T; older notation c.396dupT).
Protein change: p.Asn133Ter; replaces asparagine 133 with a stop codon.
Molecular consequence: nonsense.
Genome position (GRCh38, 1-based): chr13:48,345,095, T duplicated; the last of 3 consecutive T bases (chr13:48,345,093-48,345,095); duplicating any one gives the same sequence. VCF-style (leftmost placement, unchanged base first): chr13-48345092-C-CT. GRCh37 (hg19) VCF-style: chr13-48919228-C-CT.
Other names: c.396dup, p.Asn133Ter (NM_001407165.1, NM_001407166.1); short protein forms N133*.
Identifiers: ClinVar variation 3237126 (VCV003237126.2), dbSNP rs886043313.